The following is an entry in ClinVar:

NM_020822.3(KCNT1):c.3390G>A (p.Ala1130=)

Gene: KCNT1 (potassium sodium-activated channel subfamily T member 1; plus strand). Cytogenetic location: 9q34.3.
Variant type: single nucleotide variant.
Coding change: c.3390G>A on transcript NM_020822.3 (MANE Select); coding-DNA position 3390, G replaced by A.
Protein change: p.Ala1130=; no amino-acid change (alanine 1130 retained).
Molecular consequence: synonymous variant.
Genome position (GRCh38, 1-based): chr9:135,786,409, G>A. VCF-style: chr9-135786409-G-A. GRCh37 (hg19) VCF-style: chr9-138678255-G-A.
Other names: p.Ala1130=; c.3255G>A, p.Ala1085= (NM_001272003.2).
Identifiers: ClinVar variation 129365 (VCV000129365.27), dbSNP rs77912754, ClinGen allele CA153318.

ClinVar aggregate classification (germline): Benign. Review status: criteria provided, multiple submitters, no conflicts (2 of 4 stars). 9 submissions from 8 submitters: Benign (6). 3 of the submissions do not count toward it. Last evaluated 2026-02-02.

Conditions:
Inborn genetic diseases. Identifiers: MedGen C0950123, MeSH D030342.
Developmental and epileptic encephalopathy, 14 (DEE14). Also called: Early infantile epileptic encephalopathy 14. Identifiers: Orphanet 293181, MedGen C3554195, MONDO:0013989, OMIM 614959.
Autosomal dominant nocturnal frontal lobe epilepsy 5. Also called: Epilepsy, nocturnal frontal lobe, 5; KCNT1-Related Epilepsy; CILIARY DYSKINESIA, PRIMARY, 28, WITHOUT SITUS INVERSUS; CILIARY DYSKINESIA, PRIMARY, 28, WITH SITUS INVERSUS. Identifiers: Orphanet 98784, MedGen C3554306, MONDO:0014002, OMIM 615005.

Allele frequency attached by ClinVar (database versions not stated): ESP Exome Variant Server 0.00016; gnomAD 0.00170 and 0.00140; ExAC 0.00317; TOPMed 0.00197; gnomAD exomes 0.00217 and 0.00106; 1000 Genomes Project 0.00679; 1000 Genomes Project 30x 0.00578.
gnomAD v4.1: 1,787 of 1,580,114 alleles (0.11%); highest among the groups gnomAD compares: East Asian, 3.4%; 30 homozygotes.

Submissions (9):

Labcorp Genetics (formerly Invitae), Labcorp
Classification: Benign for Autosomal dominant nocturnal frontal lobe epilepsy 5; Developmental and epileptic encephalopathy, 14. Last evaluated: 2026-02-02. Review status: criteria provided, single submitter. Criteria: Invitae Variant Classification Sherloc (09022015). Collection method: clinical testing. Allele origin: germline.

Mayo Clinic Laboratories, Mayo Clinic
Classification: Benign. Last evaluated: 2025-04-21. Review status: criteria provided, single submitter. Criteria: ACMG Guidelines, 2015. Collection method: clinical testing. Allele origin: germline. Observed: 1 variant allele.
Comment: BA1, BP4, BP7

Genome-Nilou Lab
Classification: Benign for Developmental and epileptic encephalopathy, 14. Last evaluated: 2022-03-15. Review status: criteria provided, single submitter. Criteria: ACMG Guidelines, 2015. Collection method: clinical testing. Allele origin: germline. Affected: no.

Genome-Nilou Lab
Classification: Benign for Autosomal dominant nocturnal frontal lobe epilepsy 5. Last evaluated: 2022-03-15. Review status: criteria provided, single submitter. Criteria: ACMG Guidelines, 2015. Collection method: clinical testing. Allele origin: germline. Affected: no.

Ambry Genetics
Classification: Benign for Inborn genetic diseases. Last evaluated: 2017-02-01. Review status: criteria provided, single submitter. Criteria: Ambry Variant Classification Scheme 2023. Collection method: clinical testing. Allele origin: germline.

GeneDx
Classification: Benign. Last evaluated: 2016-03-10. Review status: criteria provided, single submitter. Criteria: GeneDx Variant Classification (06012015). Collection method: clinical testing. Allele origin: germline. Affected: yes.
Comment: This variant is considered likely benign or benign based on one or more of the following criteria: it is a conservative change, it occurs at a poorly conserved position in the protein, it is predicted to be benign by multiple in silico algorithms, and/or has population frequency not consistent with disease.

Diagnostic Laboratory, Department of Genetics, University Medical Center Groningen
Classification: Likely benign. Review status: no assertion criteria provided. Collection method: clinical testing. Allele origin: germline. Affected: yes. Study: VKGL Data-share Consensus. Not counted in ClinVar's aggregate classification.

Genetic Services Laboratory, University of Chicago
Classification: Likely benign for AllHighlyPenetrant. Review status: no assertion criteria provided. Collection method: clinical testing. Allele origin: germline. Inheritance: Autosomal dominant inheritance. Not counted in ClinVar's aggregate classification.
Comment: Likely benign based on allele frequency in 1000 Genomes Project or ESP global frequency and its presence in a patient with a rare or unrelated disease phenotype. NOT Sanger confirmed.

Genome Diagnostics Laboratory, University Medical Center Utrecht
Classification: Benign. Review status: no assertion criteria provided. Collection method: clinical testing. Allele origin: germline. Affected: yes. Study: VKGL Data-share Consensus. Not counted in ClinVar's aggregate classification.